The following is an entry in ClinVar:

ClinVar aggregate classification (germline): Conflicting classifications of pathogenicity. Review status: criteria provided, conflicting classifications (1 of 4 stars). 5 submissions from 5 submitters: Uncertain significance (4); Likely benign (1). Last evaluated 2024-07-17.

Conditions:
Hereditary cancer-predisposing syndrome. Also called: Neoplastic Syndromes, Hereditary; Tumor predisposition; Hereditary Cancer Syndrome; Hereditary neoplastic syndrome. Identifiers: Orphanet 140162, MedGen C0027672, MeSH D009386, MONDO:0015356.
Hereditary breast ovarian cancer syndrome. Also called: Hereditary breast and ovarian cancer syndrome; BRCA1- and BRCA2-Associated Hereditary Breast and Ovarian Cancer; Breast and ovarian cancer; Hereditary breast and/or ovarian cancer syndrome; Hereditary breast and ovarian cancer; Hereditary breast and ovarian cancer syndrome (HBOC). Identifiers: Orphanet 145, MedGen C0677776, MeSH D061325, MONDO:0003582. Disease mechanism: loss of function.

Allele frequency attached by ClinVar (database versions not stated): gnomAD exomes below 0.00001.
gnomAD v4.1: 2 of 1,595,580 alleles (0.00013%); highest among the groups gnomAD compares: Admixed American, 0.0017%; no homozygotes.

Submissions (5):

Color Diagnostics, LLC DBA Color Health
Classification: Uncertain significance for Hereditary cancer-predisposing syndrome. Last evaluated: 2024-07-17. Review status: criteria provided, single submitter. Criteria: ACMG Guidelines, 2015. Collection method: clinical testing. Allele origin: germline.
Comment: This missense variant replaces glutamic acid with glutamine at codon 1441 of the BRCA2 protein. Computational prediction is inconclusive regarding the impact of this variant on protein structure and function. To our knowledge, functional studies have not been reported for this variant. This variant has been reported in a suspected hereditary breast and ovarian cancer family (PMID: 24916970). This variant has been identified in 1/242678 chromosomes in the general population by the Genome Aggregation Database (gnomAD). The available evidence is insufficient to determine the role of this variant in disease conclusively. Therefore, this variant is classified as a Variant of Uncertain Significance.

Labcorp Genetics (formerly Invitae), Labcorp
Classification: Uncertain significance for Hereditary breast ovarian cancer syndrome. Last evaluated: 2024-02-05. Review status: criteria provided, single submitter. Criteria: Invitae Variant Classification Sherloc (09022015). Collection method: clinical testing. Allele origin: germline.
Comment: This sequence change replaces glutamic acid, which is acidic and polar, with glutamine, which is neutral and polar, at codon 1441 of the BRCA2 protein (p.Glu1441Gln). This variant is present in population databases (no rsID available, gnomAD 0.003%). This missense change has been observed in individual(s) with breast and/or ovarian cancer (PMID: 24916970). ClinVar contains an entry for this variant (Variation ID: 232428). Advanced modeling of protein sequence and biophysical properties (such as structural, functional, and spatial information, amino acid conservation, physicochemical variation, residue mobility, and thermodynamic stability) performed at Invitae indicates that this missense variant is not expected to disrupt BRCA2 protein function with a negative predictive value of 95%. In summary, the available evidence is currently insufficient to determine the role of this variant in disease. Therefore, it has been classified as a Variant of Uncertain Significance.

University of Washington Department of Laboratory Medicine, University of Washington
Classification: Likely benign for Hereditary cancer-predisposing syndrome. Last evaluated: 2023-03-23. Review status: criteria provided, single submitter. Criteria: Dines et al. (Genet Med. 2020). Collection method: curation. Allele origin: germline.
Comment: Missense variant in a coldspot region where missense variants are very unlikely to be pathogenic (PMID:31911673).

BRCA2 exon 11 coldspot. Reclassification based on statistical prior probability.

Ambry Genetics
Classification: Uncertain significance for Hereditary cancer-predisposing syndrome. Last evaluated: 2022-03-09. Review status: criteria provided, single submitter. Criteria: Ambry Variant Classification Scheme 2023. Collection method: clinical testing. Allele origin: germline.
Comment: The p.E1441Q variant (also known as c.4321G>C), located in coding exon 10 of the BRCA2 gene, results from a G to C substitution at nucleotide position 4321. The glutamic acid at codon 1441 is replaced by glutamine, an amino acid with highly similar properties. This alteration was identified in 1/524 Portuguese HBOC families (Peixoto A et al. Clin. Genet.2015 Jul;88(1):41-8). This amino acid position is not well conserved in available vertebrate species. In addition, the in silico prediction for this alteration is inconclusive. Since supporting evidence is limited at this time, the clinical significance of this alteration remains unclear.

Quest Diagnostics Nichols Institute San Juan Capistrano
Classification: Uncertain significance. Last evaluated: 2021-01-07. Review status: criteria provided, single submitter. Criteria: Quest Diagnostics criteria. Collection method: clinical testing. Allele origin: unknown.

Literature cited by the submitters: PubMed 24916970 (cited by 4 submitters).

NM_000059.4(BRCA2):c.4321G>C (p.Glu1441Gln)

Gene: BRCA2 (BRCA2 DNA repair associated; plus strand). Cytogenetic location: 13q13.1.
Variant type: single nucleotide variant.
Coding change: c.4321G>C on transcript NM_000059.4 (MANE Select); coding-DNA position 4321, G replaced by C.
Protein change: p.Glu1441Gln; replaces glutamic acid 1441 with glutamine.
Molecular consequence: missense variant.
Genome position (GRCh38, 1-based): chr13:32,338,676, G>C. VCF-style: chr13-32338676-G-C. GRCh37 (hg19) VCF-style: chr13-32912813-G-C.
Other names: short protein forms E1441Q.
Identifiers: ClinVar variation 232428 (VCV000232428.19), dbSNP rs876659758, ClinGen allele CA10579610.